The following is an entry in ClinVar:

NM_018249.6(CDK5RAP2):c.727G>T (p.Glu243Ter)

Gene: CDK5RAP2 (CDK5 regulatory subunit associated protein 2; minus strand). Cytogenetic location: 9q33.2.
Variant type: single nucleotide variant.
Coding change: c.727G>T on transcript NM_018249.6 (MANE Select); coding-DNA position 727, G replaced by T.
Protein change: p.Glu243Ter; replaces glutamic acid 243 with a stop codon.
Molecular consequence: nonsense. On other transcripts: non-coding transcript variant (5).
Genome position (GRCh38, 1-based): chr9:120,530,076, C>A on the plus strand (G>T on the coding strand, the complement: CDK5RAP2 is on the minus strand). VCF-style: chr9-120530076-C-A. GRCh37 (hg19) VCF-style: chr9-123292354-C-A.
Other names: c.727G>T, p.Glu243Ter (NM_001011649.3, NM_001272039.2, NM_001410992.1 and 2 more transcripts); short protein forms E243*.
Identifiers: ClinVar variation 2838897 (VCV002838897.3), dbSNP rs138588916, ClinGen allele CA374705148.

ClinVar aggregate classification (germline): Pathogenic (1 of 4 stars; one submission).

gnomAD v4.1: 1 of 1,613,970 alleles (0.000062%); highest among the groups gnomAD compares: Non-Finnish European, 0.000085%; no homozygotes.

Submission:

Labcorp Genetics (formerly Invitae), Labcorp
Classification: Pathogenic. Last evaluated: 2023-02-18. Review status: criteria provided, single submitter. Criteria: Invitae Variant Classification Sherloc (09022015). Collection method: clinical testing. Allele origin: germline.
Comment: For these reasons, this variant has been classified as Pathogenic. This variant has not been reported in the literature in individuals affected with CDK5RAP2-related conditions. This variant is not present in population databases (gnomAD no frequency). This sequence change creates a premature translational stop signal (p.Glu243*) in the CDK5RAP2 gene. It is expected to result in an absent or disrupted protein product. Loss-of-function variants in CDK5RAP2 are known to be pathogenic (PMID: 15793586, 20460369, 26436113).

Literature cited by the submitters: PubMed 15793586; PubMed 20460369; PubMed 26436113.